The following is an entry in ClinVar:

NM_004006.3(DMD):c.6439-12G>A

Gene: DMD (dystrophin; minus strand). Cytogenetic location: Xp21.1.
Variant type: single nucleotide variant.
Coding change: c.6439-12G>A on transcript NM_004006.3 (MANE Select); 12 bases into the intron before coding-DNA position 6439, G replaced by A.
Molecular consequence: intron variant.
Genome position (GRCh38, 1-based): chrX:31,968,526, C>T on the plus strand (G>A on the coding strand, the complement: DMD is on the minus strand). VCF-style: chrX-31968526-C-T. GRCh37 (hg19) VCF-style: chrX-31986643-C-T.
Other names: c.6415-12G>A (NM_000109.4); c.2416-12G>A (NM_004011.4); c.2407-12G>A (NM_004012.4); c.-942-12G>A (NM_004023.3, NM_004020.4, NM_004022.3 and 2 more transcripts); c.6427-12G>A (NM_004009.3); c.6070-12G>A (NM_004010.3).
Identifiers: ClinVar variation 2161603 (VCV002161603.5), dbSNP rs2534078931, ClinGen allele CA2580100658.

ClinVar aggregate classification (germline): Conflicting classifications of pathogenicity. Review status: criteria provided, conflicting classifications (1 of 4 stars). 2 submissions from 2 submitters: Likely pathogenic (1); Uncertain significance (1). Last evaluated 2025-10-02.

Conditions:
Duchenne muscular dystrophy (DMD). Also called: MUSCULAR DYSTROPHY, PSEUDOHYPERTROPHIC PROGRESSIVE, DUCHENNE TYPE; Duchenne Muscular Dystrophy (DMD). Identifiers: Orphanet 98896, MedGen C0013264, MONDO:0010679, OMIM 310200.

Submissions (2):

Labcorp Genetics (formerly Invitae), Labcorp
Classification: Uncertain significance for Duchenne muscular dystrophy. Last evaluated: 2025-10-02. Review status: criteria provided, single submitter. Criteria: Invitae Variant Classification Sherloc (09022015). Collection method: clinical testing. Allele origin: germline.
Comment: This sequence change falls in intron 44 of the DMD gene. It does not directly change the encoded amino acid sequence of the DMD protein. This variant is not present in population databases (gnomAD no frequency). This variant has been observed in individual(s) with clinical features of dystrophinopathy (PMID: 36319768; internal data). ClinVar contains an entry for this variant (Variation ID: 2161603). Studies have shown that this variant is associated with inconclusive levels of altered splicing (PMID: 36319768). In summary, the available evidence is currently insufficient to determine the role of this variant in disease. Therefore, it has been classified as a Variant of Uncertain Significance.

GeneDx
Classification: Likely pathogenic. Last evaluated: 2025-01-07. Review status: criteria provided, single submitter. Criteria: GeneDx Variant Classification Process June 2021. Collection method: clinical testing. Allele origin: germline. Affected: yes.
Comment: RNA studies demonstrate a damaging effect: a 10-base pair intronic sequence inclusion resulting in a frameshift and premature termination codon targeted for degradation by nonsense mediated decay (PMID: 36319768); In silico analysis supports a deleterious effect on splicing; Not observed at significant frequency in large population cohorts (gnomAD); This variant is associated with the following publications: (PMID: 36319768)

Literature cited by the submitters: PubMed 36319768 (cited by Labcorp Genetics (formerly Invitae), Labcorp).